The following is an entry in ClinVar:

ClinVar aggregate classification (germline): Uncertain significance (1 of 4 stars; one submission).

Submission:

Labcorp Genetics (formerly Invitae), Labcorp
Classification: Uncertain significance. Last evaluated: 2022-06-03. Review status: criteria provided, single submitter. Criteria: Invitae Variant Classification Sherloc (09022015). Collection method: clinical testing. Allele origin: germline.
Comment: This variant is not present in population databases (gnomAD no frequency). In summary, the available evidence is currently insufficient to determine the role of this variant in disease. Therefore, it has been classified as a Variant of Uncertain Significance. Algorithms developed to predict the effect of missense changes on protein structure and function (SIFT, PolyPhen-2, Align-GVGD) all suggest that this variant is likely to be disruptive. This variant has not been reported in the literature in individuals affected with RARS-related conditions. This sequence change replaces methionine, which is neutral and non-polar, with threonine, which is neutral and polar, at codon 207 of the RARS protein (p.Met207Thr).

NM_002887.4(RARS1):c.620T>C (p.Met207Thr)

Gene: RARS1 (arginyl-tRNA synthetase 1; plus strand). Cytogenetic location: 5q34.
Variant type: single nucleotide variant.
Coding change: c.620T>C on transcript NM_002887.4 (MANE Select); coding-DNA position 620, T replaced by C.
Protein change: p.Met207Thr; replaces methionine 207 with threonine.
Molecular consequence: missense variant.
Genome position (GRCh38, 1-based): chr5:168,495,355, T>C. VCF-style: chr5-168495355-T-C. GRCh37 (hg19) VCF-style: chr5-167922360-T-C.
Other names: short protein forms M207T.
Identifiers: ClinVar variation 2098833 (VCV002098833.4), dbSNP rs2533367356, ClinGen allele CA362079403.